The following is an entry in ClinVar:

ClinVar aggregate classification (germline): Likely benign. Review status: criteria provided, single submitter (1 of 4 stars). 2 submissions from 2 submitters: Likely benign (1). 1 of the submissions does not count toward it. Last evaluated 2024-11-25.

Conditions:
ZFHX3-related disorder. Also called: ZFHX3-related condition.

Submissions (2):

Blueprint Genetics
Classification: Likely benign. Last evaluated: 2024-11-25. Review status: criteria provided, single submitter. Criteria: ACMG Guidelines, 2015. Collection method: clinical testing. Allele origin: germline.

PreventionGenetics, part of Exact Sciences
Classification: Likely benign for ZFHX3-related condition. Last evaluated: 2019-08-13. Review status: no assertion criteria provided. Collection method: clinical testing. Allele origin: germline. Not counted in ClinVar's aggregate classification.
Comment: This variant is classified as likely benign based on ACMG/AMP sequence variant interpretation guidelines (Richards et al. 2015 PMID: 25741868, with internal and published modifications).

NM_006885.4(ZFHX3):c.1434AGAGGAGGAGGAAGA[1] (p.Glu483_Glu487del)

Gene: ZFHX3 (zinc finger homeobox 3; minus strand). Cytogenetic location: 16q22.3.
Variant type: Microsatellite.
Coding change: c.1434AGAGGAGGAGGAAGA[1] on transcript NM_006885.4 (MANE Select); one copy of the 15-base unit AGAGGAGGAGGAAGA starting at c.1434; the reference has two copies in a row; one copy, 15 bases deleted.
Protein change: p.Glu483_Glu487del.
Molecular consequence: intron variant (on NM_001164766.2).
Genome position (GRCh38, 1-based): chr16:72,958,683-72,958,697, TCTTCCTCCTCCTCT deleted on the plus strand (AGAGGAGGAGGAAGA on the coding strand, the reverse complement: ZFHX3 is on the minus strand); deleting any 15 consecutive bases within chr16:72,958,683-72,958,726 gives the same sequence; the position shown is the placement nearest the transcript's 3' end. VCF-style (leftmost placement, unchanged base first): chr16-72958682-GTCTTCCTCCTCCTCT-G. GRCh37 (hg19) VCF-style: chr16-72992581-GTCTTCCTCCTCCTCT-G.
Other names: c.1434AGAGGAGGAGGAAGA[1], p.Glu483_Glu487del (NM_001386735.1); c.-23-7732_-23-7718del (NM_001164766.2).
Identifiers: ClinVar variation 3053390 (VCV003053390.3), dbSNP rs376713069, ClinGen allele CA8164704.